The following is an entry in ClinVar:

ClinVar aggregate classification (germline): Uncertain significance (1 of 4 stars; one submission).

Conditions:
Combined oxidative phosphorylation defect type 14. Also called: Combined oxidative phosphorylation deficiency 14. Identifiers: Orphanet 319519, MedGen C4755312, MONDO:0013986, OMIM 614946.

gnomAD v4.1: 1 of 1,613,320 alleles (0.000062%); highest among the groups gnomAD compares: Admixed American, 0.0017%; no homozygotes.

Submission:

Labcorp Genetics (formerly Invitae), Labcorp
Classification: Uncertain significance for Combined oxidative phosphorylation defect type 14. Last evaluated: 2025-11-24. Review status: criteria provided, single submitter. Criteria: Invitae Variant Classification Sherloc (09022015). Collection method: clinical testing. Allele origin: germline.
Comment: This sequence change replaces aspartic acid, which is acidic and polar, with glutamic acid, which is acidic and polar, at codon 391 of the FARS2 protein (p.Asp391Glu). This variant is present in population databases (no rsID available, gnomAD 0.003%). This variant has not been reported in the literature in individuals affected with FARS2-related conditions. Invitae Evidence Modeling of protein sequence and biophysical properties (such as structural, functional, and spatial information, amino acid conservation, physicochemical variation, residue mobility, and thermodynamic stability) indicates that this missense variant is not expected to disrupt FARS2 protein function with a negative predictive value of 80%. In summary, the available evidence is currently insufficient to determine the role of this variant in disease. Therefore, it has been classified as a Variant of Uncertain Significance.

NM_006567.5(FARS2):c.1173C>G (p.Asp391Glu)

Gene: FARS2 (phenylalanyl-tRNA synthetase 2, mitochondrial; plus strand). Cytogenetic location: 6p25.1.
Variant type: single nucleotide variant.
Coding change: c.1173C>G on transcript NM_006567.5 (MANE Select); coding-DNA position 1173, C replaced by G.
Protein change: p.Asp391Glu; replaces aspartic acid 391 with glutamic acid.
Molecular consequence: missense variant.
Genome position (GRCh38, 1-based): chr6:5,613,276, C>G. VCF-style: chr6-5613276-C-G. GRCh37 (hg19) VCF-style: chr6-5613509-C-G.
Other names: c.1173C>G, p.Asp391Glu (NM_001318872.2, NM_001374875.1, NM_001374876.1 and 4 more transcripts); c.1041C>G, p.Asp347Glu (NM_001375258.1); c.477C>G, p.Asp159Glu (NM_001375259.1, NM_001375260.1); short protein forms D159E, D347E, D391E.
Identifiers: ClinVar variation 4768264 (VCV004768264.1).
Genomic context (GRCh38, chr6:5,613,276, plus strand): 5'-GCCCTCTGAGAATTACGCAGAAAATGATTTCTATGACTTAGTCCGAACAATTGGAGGAGA[C>G]CTGGTGGAAAAGGTTGATCTCATAGACAAGTTTGTACATCCAAAGTAAGTGAAAAGCTTT-3'
Protein context (NP_006558.1, residues 381-401): FYDLVRTIGG[Asp391Glu]LVEKVDLIDK